The following is an entry in ClinVar:

ClinVar aggregate classification (germline): Uncertain significance (1 of 4 stars; one submission).

Conditions:
Familial Mediterranean fever (FMF). Also called: POLYSEROSITIS, FAMILIAL PAROXYSMAL; POLYSEROSITIS, RECURRENT; Periodic peritonitis; Benign paroxysmal peritonitis. Identifiers: Orphanet 342, MedGen C0031069, MONDO:0018088, OMIM 249100. Disease mechanism: gain of function.

gnomAD v4.1: 1 of 1,592,358 alleles (0.000063%); highest among the groups gnomAD compares: East Asian, 0.0023%; no homozygotes.

Submission:

Labcorp Genetics (formerly Invitae), Labcorp
Classification: Uncertain significance for Familial Mediterranean fever. Last evaluated: 2023-12-11. Review status: criteria provided, single submitter. Criteria: Invitae Variant Classification Sherloc (09022015). Collection method: clinical testing. Allele origin: germline.
Comment: This sequence change replaces arginine, which is basic and polar, with glycine, which is neutral and non-polar, at codon 161 of the MEFV protein (p.Arg161Gly). This variant is present in population databases (no rsID available, gnomAD 0.06%). This variant has not been reported in the literature in individuals affected with MEFV-related conditions. ClinVar contains an entry for this variant (Variation ID: 2201144). An algorithm developed to predict the effect of missense changes on protein structure and function (PolyPhen-2) suggests that this variant is likely to be tolerated. In summary, the available evidence is currently insufficient to determine the role of this variant in disease. Therefore, it has been classified as a Variant of Uncertain Significance.

NM_000243.3(MEFV):c.481C>G (p.Arg161Gly)

Gene: MEFV (MEFV innate immunity regulator, pyrin; minus strand). Cytogenetic location: 16p13.3.
Variant type: single nucleotide variant.
Coding change: c.481C>G on transcript NM_000243.3 (MANE Select); coding-DNA position 481, C replaced by G.
Protein change: p.Arg161Gly; replaces arginine 161 with glycine.
Molecular consequence: missense variant. On other transcripts: intron variant (1).
Genome position (GRCh38, 1-based): chr16:3,254,587, G>C on the plus strand (C>G on the coding strand, the complement: MEFV is on the minus strand). VCF-style: chr16-3254587-G-C. GRCh37 (hg19) VCF-style: chr16-3304587-G-C.
Other names: c.277+1724C>G (NM_001198536.2); short protein forms R161G.
Identifiers: ClinVar variation 2201144 (VCV002201144.4), dbSNP rs1220047688, ClinGen allele CA394481250.